The following is an entry in ClinVar:

ClinVar aggregate classification (germline): Uncertain significance (1 of 4 stars; one submission).

Conditions:
PLEC-related disorder. Also called: PLEC-related condition; PLEC-related disorders.

gnomAD v4.1: 7 of 1,607,814 alleles (0.00044%); highest among the groups gnomAD compares: Non-Finnish European, 0.00051%; no homozygotes.

Submission:

PreventionGenetics, part of Exact Sciences
Classification: Uncertain significance for PLEC-related condition. Last evaluated: 2025-01-19. Review status: criteria provided, single submitter. Criteria: ACMG Guidelines, 2015. Collection method: clinical testing. Allele origin: germline.
Comment: The PLEC c.9287A>G variant is predicted to result in the amino acid substitution p.Asp3096Gly. To our knowledge, this variant has not been reported in the literature. This variant is reported in 0.00091% of alleles in individuals of European (Non-Finnish) descent in gnomAD. At this time, the clinical significance of this variant is uncertain due to the absence of conclusive functional and genetic evidence.

NM_201384.3(PLEC):c.9206A>G (p.Asp3069Gly)

Gene: PLEC (plectin; minus strand). Cytogenetic location: 8q24.3.
Variant type: single nucleotide variant.
Coding change: c.9206A>G on transcript NM_201384.3 (MANE Select); coding-DNA position 9206, A replaced by G.
Protein change: p.Asp3069Gly; replaces aspartic acid 3069 with glycine.
Molecular consequence: missense variant.
Genome position (GRCh38, 1-based): chr8:143,920,615, T>C on the plus strand (A>G on the coding strand, the complement: PLEC is on the minus strand). VCF-style: chr8-143920615-T-C. GRCh37 (hg19) VCF-style: chr8-144994783-T-C.
Other names: c.9287A>G, p.Asp3096Gly (NM_000445.5); c.5906A>G, p.Asp1969Gly (NM_001410941.1); c.9164A>G, p.Asp3055Gly (NM_201378.4); c.9140A>G, p.Asp3047Gly (NM_201379.3); c.9617A>G, p.Asp3206Gly (NM_201380.4); c.9110A>G, p.Asp3037Gly (NM_201381.3); c.9206A>G, p.Asp3069Gly (NM_201382.4); c.9218A>G, p.Asp3073Gly (NM_201383.3); short protein forms D3037G, D3047G, D3069G, D1969G, D3055G, D3073G, D3096G, D3206G.
Identifiers: ClinVar variation 4977983 (VCV004977983.1).